The following is an entry in ClinVar:

NM_000051.4(ATM):c.3571A>C (p.Lys1191Gln)

Gene: ATM (ATM serine/threonine kinase; plus strand). Cytogenetic location: 11q22.3.
Variant type: single nucleotide variant.
Coding change: c.3571A>C on transcript NM_000051.4 (MANE Select); coding-DNA position 3571, A replaced by C.
Protein change: p.Lys1191Gln; replaces lysine 1191 with glutamine.
Molecular consequence: missense variant.
Genome position (GRCh38, 1-based): chr11:108,281,163, A>C. VCF-style: chr11-108281163-A-C. GRCh37 (hg19) VCF-style: chr11-108151890-A-C.
Other names: c.3571A>C, p.Lys1191Gln (NM_001351834.2); short protein forms K1191Q.
Identifiers: ClinVar variation 3893900 (VCV003893900.1).

ClinVar aggregate classification (germline): Uncertain significance (1 of 4 stars; one submission).

Conditions:
Hereditary cancer-predisposing syndrome. Also called: Neoplastic Syndromes, Hereditary; Tumor predisposition; Hereditary Cancer Syndrome; Hereditary neoplastic syndrome. Identifiers: Orphanet 140162, MedGen C0027672, MeSH D009386, MONDO:0015356.

gnomAD v4.1: 1 of 1,613,476 alleles (0.000062%); highest among the groups gnomAD compares: Non-Finnish European, 0.000085%; no homozygotes.

Submission:

Color Diagnostics, LLC DBA Color Health
Classification: Uncertain significance for Hereditary cancer-predisposing syndrome. Last evaluated: 2024-12-16. Review status: criteria provided, single submitter. Criteria: ACMG Guidelines, 2015. Collection method: clinical testing. Allele origin: germline.
Comment: This missense variant replaces lysine with glutamine at codon 1191 of the ATM protein. Computational prediction suggests that this variant may not impact protein structure and function (internally defined REVEL score threshold <= 0.5, PMID: 27666373). To our knowledge, functional studies have not been reported for this variant. This variant has not been reported in individuals affected with ATM-related disorders in the literature. This variant has not been identified in the general population by the Genome Aggregation Database (gnomAD). The available evidence is insufficient to determine the role of this variant in disease conclusively. Therefore, this variant is classified as a Variant of Uncertain Significance.